The following is an entry in ClinVar:

NM_001370259.2(MEN1):c.985T>G (p.Cys329Gly)

Gene: MEN1 (menin 1; minus strand). Cytogenetic location: 11q13.1.
Variant type: single nucleotide variant.
Coding change: c.985T>G on transcript NM_001370259.2 (MANE Select); coding-DNA position 985, T replaced by G.
Protein change: p.Cys329Gly; replaces cysteine 329 with glycine.
Molecular consequence: missense variant. On other transcripts: non-coding transcript variant (4).
Genome position (GRCh38, 1-based): chr11:64,806,296, A>C on the plus strand (T>G on the coding strand, the complement: MEN1 is on the minus strand). VCF-style: chr11-64806296-A-C. GRCh37 (hg19) VCF-style: chr11-64573768-A-C.
Other names: c.985T>G, p.Cys329Gly (NM_001370251.2, NM_001370260.2, NM_001370261.2 and 7 more transcripts); c.1000T>G, p.Cys334Gly (NM_000244.4, NM_001407145.1, NM_001407150.1 and 5 more transcripts); c.880T>G, p.Cys294Gly (NM_001370262.2, NM_001370263.2, NM_001407148.1 and 2 more transcripts); short protein forms C329G, C334G, C294G.
Identifiers: ClinVar variation 2564961 (VCV002564961.3), dbSNP rs2497174165, ClinGen allele CA381183305.

ClinVar aggregate classification (germline): Uncertain significance (1 of 4 stars; one submission).

Conditions:
Hereditary cancer-predisposing syndrome. Also called: Neoplastic Syndromes, Hereditary; Hereditary Cancer Syndrome; Hereditary neoplastic syndrome; Tumor predisposition. Identifiers: Orphanet 140162, MedGen C0027672, MeSH D009386, MONDO:0015356.

Submission:

Ambry Genetics
Classification: Uncertain significance for Hereditary cancer-predisposing syndrome. Last evaluated: 2025-04-10. Review status: criteria provided, single submitter. Criteria: Ambry Variant Classification Scheme 2023. Collection method: clinical testing. Allele origin: germline.
Comment: The p.C329G variant (also known as c.985T>G), located in coding exon 6 of the MEN1 gene, results from a T to G substitution at nucleotide position 985. The cysteine at codon 329 is replaced by glycine, an amino acid with highly dissimilar properties. This amino acid position is not well conserved in available vertebrate species. In addition, the in silico prediction for this alteration is inconclusive. Based on the available evidence, the clinical significance of this variant remains unclear.